The following is an entry in ClinVar:

NM_052813.5(CARD9):c.1391C>G (p.Pro464Arg)

Gene: CARD9 (caspase recruitment domain family member 9; minus strand). Cytogenetic location: 9q34.3.
Variant type: single nucleotide variant.
Coding change: c.1391C>G on transcript NM_052813.5 (MANE Select); coding-DNA position 1391, C replaced by G.
Protein change: p.Pro464Arg; replaces proline 464 with arginine.
Molecular consequence: missense variant.
Genome position (GRCh38, 1-based): chr9:136,365,184, G>C on the plus strand (C>G on the coding strand, the complement: CARD9 is on the minus strand). VCF-style: chr9-136365184-G-C. GRCh37 (hg19) VCF-style: chr9-139259636-G-C.
Other names: c.1391C>G, p.Pro464Arg (NM_052814.4); short protein forms P464R.
Identifiers: ClinVar variation 1713423 (VCV001713423.6), dbSNP rs1266195975, ClinGen allele CA375541881.

ClinVar aggregate classification (germline): Uncertain significance (1 of 4 stars; one submission).

Conditions:
Predisposition to invasive fungal disease due to CARD9 deficiency (IMD103). Also called: CARD9 IMMUNODEFICIENCY; IMMUNODEFICIENCY 103, SUSCEPTIBILITY TO FUNGAL INFECTIONS; Candidiasis, familial, 2, autosomal recessive. Identifiers: Orphanet 457088, MedGen C1859353, MONDO:0008905, OMIM 212050.

Submission:

Labcorp Genetics (formerly Invitae), Labcorp
Classification: Uncertain significance for Predisposition to invasive fungal disease due to CARD9 deficiency. Last evaluated: 2022-07-15. Review status: criteria provided, single submitter. Criteria: Invitae Variant Classification Sherloc (09022015). Collection method: clinical testing. Allele origin: germline.
Comment: In summary, the available evidence is currently insufficient to determine the role of this variant in disease. Therefore, it has been classified as a Variant of Uncertain Significance. Algorithms developed to predict the effect of missense changes on protein structure and function (SIFT, PolyPhen-2, Align-GVGD) all suggest that this variant is likely to be tolerated. This variant has not been reported in the literature in individuals affected with CARD9-related conditions. This variant is not present in population databases (gnomAD no frequency). This sequence change replaces proline, which is neutral and non-polar, with arginine, which is basic and polar, at codon 464 of the CARD9 protein (p.Pro464Arg).